The following is an entry in ClinVar:

ClinVar aggregate classification (somatic clinical impact): Tier II - Potential (1 of 4 stars; one submission).

Conditions:
Medulloblastoma non-WNT/non-SHH group 3. Identifiers: MedGen C4330665, MONDO:0956966.

Submission:

Institute for Genomic Medicine (IGM) Clinical Laboratory, Nationwide Children's Hospital
Classification: Tier II - Potential for Medulloblastoma non-WNT/non-SHH group 3. Assertion type: diagnostic. Clinical significance: supports diagnosis. Last evaluated: 2023-08-21. Review status: criteria provided, single submitter. Criteria: AMP/ASCO/CAP Guidelines, 2017. Collection method: clinical testing. Allele origin: somatic. Affected: yes.
Comment: Variant has Tier II (potential) clinical significance as a diagnostic inclusion criterion in medulloblastoma non-WNT/non-SHH group 3, based on the following evidence: 1) Assists in diagnosis alone or along with other biomarkers based on small studies or few case reports (Evidence Level D; PMIDs: 21163964, 28726821, 22820256).

Literature cited by the submitters: PubMed 21163964; PubMed 28726821; PubMed 22820256.

NM_170606.3(KMT2C):c.473G>C (p.Gly158Ala)

Gene: KMT2C (lysine methyltransferase 2C; minus strand). Cytogenetic location: 7q36.1.
Variant type: single nucleotide variant.
Coding change: c.473G>C on transcript NM_170606.3 (MANE Select); coding-DNA position 473, G replaced by C.
Protein change: p.Gly158Ala; replaces glycine 158 with alanine.
Molecular consequence: missense variant.
Genome position (GRCh38, 1-based): chr7:152,315,255, C>G on the plus strand (G>C on the coding strand, the complement: KMT2C is on the minus strand). VCF-style: chr7-152315255-C-G. GRCh37 (hg19) VCF-style: chr7-152012340-C-G.
Other names: short protein forms G158A.
Identifiers: ClinVar variation 4530499 (VCV004530499.1).